The following is an entry in ClinVar:

ClinVar aggregate classification (germline): Uncertain significance (1 of 4 stars; one submission).

Conditions:
Alpha thalassemia-X-linked intellectual disability syndrome (ATRX). Also called: ALPHA-THALASSEMIA/MENTAL RETARDATION SYNDROME, X-LINKED; ATR, NONDELETION TYPE; ATR-X syndrome; Alpha thalassemia mental retardation syndrome, nondeletion type, X-linked; XLMR hypotonic face syndrome; X-linked alpha-thalassemia-mental retardation syndrome. Identifiers: Orphanet 847, MedGen C1845055, MONDO:0010519, OMIM 301040.
Intellectual disability-hypotonic facies syndrome, X-linked, 1 (MRXHF1). Also called: XLMR-HYPOTONIC FACIES SYNDROME; Smith Fineman Myers syndrome 1; X-linked intellectual disability-hypotonic face syndrome; CHUDLEY-LOWRY SYNDROME; Chudley syndrome 1; Chudley-Lowry-Hoar syndrome. Identifiers: Orphanet 73220, Orphanet 93970, Orphanet 93971, Orphanet 93972, Orphanet 93973, Orphanet 93974, Orphanet 93975, MedGen C4759781, MONDO:0010663, OMIM 309580.

Submission:

Human Genetics Bochum, Ruhr University Bochum
Classification: Uncertain significance for Alpha thalassemia-X-linked intellectual disability syndrome; Intellectual disability-hypotonic facies syndrome, X-linked, 1. Last evaluated: 2024-03-22. Review status: criteria provided, single submitter. Criteria: ACMG Guidelines, 2015. Collection method: clinical testing. Allele origin: germline. Affected: yes.
Comment: ACMG criteria used to clasify this variant: PP3_STR, PM2_SUP

NM_000489.6(ATRX):c.5273A>G (p.Tyr1758Cys)

Gene: ATRX (ATRX chromatin remodeler; minus strand). Cytogenetic location: Xq21.1.
Variant type: single nucleotide variant.
Coding change: c.5273A>G on transcript NM_000489.6 (MANE Select); coding-DNA position 5273, A replaced by G.
Protein change: p.Tyr1758Cys; replaces tyrosine 1758 with cysteine.
Molecular consequence: missense variant.
Genome position (GRCh38, 1-based): chrX:77,618,981, T>C on the plus strand (A>G on the coding strand, the complement: ATRX is on the minus strand). VCF-style: chrX-77618981-T-C. GRCh37 (hg19) VCF-style: chrX-76874449-T-C.
Other names: c.5159A>G, p.Tyr1720Cys (NM_138270.5); short protein forms Y1720C, Y1758C.
Identifiers: ClinVar variation 4687987 (VCV004687987.1).